The following is an entry in ClinVar:

ClinVar aggregate classification (germline): Likely pathogenic (1 of 4 stars; one submission).

Conditions:
Dilated cardiomyopathy 1G (CMD1G). Identifiers: Orphanet 154, MedGen C1858763, MONDO:0011400, OMIM 604145.
Autosomal recessive limb-girdle muscular dystrophy type 2J (LGMDR10). Also called: Limb-girdle muscular dystrophy, type 2J; MUSCULAR DYSTROPHY, LIMB-GIRDLE, AUTOSOMAL RECESSIVE 10. Identifiers: Orphanet 140922, MedGen C1837342, MONDO:0012127, OMIM 608807.

Submission:

Labcorp Genetics (formerly Invitae), Labcorp
Classification: Likely pathogenic for Dilated cardiomyopathy 1G; Autosomal recessive limb-girdle muscular dystrophy type 2J. Last evaluated: 2024-06-04. Review status: criteria provided, single submitter. Criteria: Invitae Variant Classification Sherloc (09022015). Collection method: clinical testing. Allele origin: germline.
Comment: This sequence change creates a premature translational stop signal (p.Leu20396Glnfs*2) in the TTN gene. While this is not anticipated to result in nonsense mediated decay, it is expected to create a truncated TTN protein. This variant is not present in population databases (gnomAD no frequency). This variant has not been reported in the literature in individuals affected with TTN-related conditions. This variant is located in the A band of TTN (PMID: 25589632). Truncating variants in this region are significantly overrepresented in patients affected with dilated cardiomyopathy (PMID: 25589632). Truncating variants in this region have also been reported in individuals affected with autosomal recessive centronuclear myopathy (PMID: 23975875). In summary, the currently available evidence indicates that the variant is pathogenic, but additional data are needed to prove that conclusively. Therefore, this variant has been classified as Likely Pathogenic.

Literature cited by the submitters: PubMed 25589632; PubMed 23975875.

NM_001267550.2(TTN):c.61187_61188del (p.Leu20396fs)

Genes: TTN-AS1 (TTN antisense RNA 1; plus strand), TTN (titin; minus strand). Cytogenetic location: 2q31.2.
Variant type: Microsatellite.
Coding change: c.61187_61188del on transcript NM_001267550.2 (MANE Select); coding-DNA positions 61187 to 61188, 2 bases deleted (TC; older notation c.61187_61188delTC).
Protein change: p.Leu20396fs; shifts the reading frame from leucine 20396.
Molecular consequence: frameshift variant.
Genome position (GRCh38, 1-based): chr2:178,590,537-178,590,538, GA deleted on the plus strand (TC on the coding strand, the reverse complement: TTN is on the minus strand); deleting any 2 consecutive bases within chr2:178,590,537-178,590,541 gives the same sequence; the c. name uses the placement nearest the transcript's 3' end. VCF-style (leftmost placement, unchanged base first): chr2-178590536-TGA-T. GRCh37 (hg19) VCF-style: chr2-179455263-TGA-T.
Other names: c.56264_56265del, p.Leu18755fs (NM_001256850.1); c.33992_33993del, p.Leu11331fs (NM_003319.4); c.53483_53484del, p.Leu17828fs (NM_133378.4); c.34367_34368del, p.Leu11456fs (NM_133432.3); c.34568_34569del, p.Leu11523fs (NM_133437.4); short protein forms L11331fs, L11456fs, L11523fs, L17828fs, L18755fs, L20396fs.
Identifiers: ClinVar variation 3756653 (VCV003756653.2).